The following is an entry in ClinVar:

ClinVar aggregate classification (germline): Uncertain significance (1 of 4 stars; one submission).

Conditions:
Inborn genetic diseases. Identifiers: MedGen C0950123, MeSH D030342.

gnomAD v4.1: 10 of 1,614,054 alleles (0.00062%); highest among the groups gnomAD compares: South Asian, 0.0011%; no homozygotes.

Submission:

Ambry Genetics
Classification: Uncertain significance for Inborn genetic diseases. Last evaluated: 2025-05-10. Review status: criteria provided, single submitter. Criteria: Ambry Variant Classification Scheme 2023. Collection method: clinical testing. Allele origin: germline.
Comment: The p.P808S variant (also known as c.2422C>T), located in coding exon 26 of the FANCA gene, results from a C to T substitution at nucleotide position 2422. The proline at codon 808 is replaced by serine, an amino acid with similar properties. This amino acid position is conserved. In addition, this alteration is predicted to be tolerated by in silico analysis. Based on the available evidence, the clinical significance of this variant remains unclear.

NM_000135.4(FANCA):c.2422C>T (p.Pro808Ser)

Gene: FANCA (FA complementation group A; minus strand). Cytogenetic location: 16q24.3.
Variant type: single nucleotide variant.
Coding change: c.2422C>T on transcript NM_000135.4 (MANE Select); coding-DNA position 2422, C replaced by T.
Protein change: p.Pro808Ser; replaces proline 808 with serine.
Molecular consequence: missense variant.
Genome position (GRCh38, 1-based): chr16:89,769,919, G>A on the plus strand (C>T on the coding strand, the complement: FANCA is on the minus strand). VCF-style: chr16-89769919-G-A. GRCh37 (hg19) VCF-style: chr16-89836327-G-A.
Other names: c.2422C>T, p.Pro808Ser (NM_001286167.3); short protein forms P808S.
Identifiers: ClinVar variation 4022254 (VCV004022254.1).
Genomic context (GRCh38, chr16:89,769,919, plus strand): 5'-CCCTCGTCCTACAGGTCAGGAGGCTGTCAAAGAGCGCAGGGACAGGAAGGCCAGCACCAG[G>A]TGCAGGAGGACCCACATCCACCTCTGGGAGCGCAGACCTGGACTCACCCAGGTGCACGGC-3'
Protein context (NP_000126.2, residues 798-818): LPEVDVGPPA[Pro808Ser]GAGLPVPALF